The following is an entry in ClinVar:

ClinVar aggregate classification (germline): Uncertain significance (1 of 4 stars; one submission).

Allele frequency attached by ClinVar (database versions not stated): gnomAD exomes below 0.00001; TOPMed below 0.00001; gnomAD 0.00001.
gnomAD v4.1: 4 of 1,613,934 alleles (0.00025%); highest among the groups gnomAD compares: Non-Finnish European, 0.00025%; no homozygotes.

Submission:

Labcorp Genetics (formerly Invitae), Labcorp
Classification: Uncertain significance. Last evaluated: 2024-07-29. Review status: criteria provided, single submitter. Criteria: Invitae Variant Classification Sherloc (09022015). Collection method: clinical testing. Allele origin: germline.
Comment: This sequence change replaces cysteine, which is neutral and slightly polar, with tyrosine, which is neutral and polar, at codon 128 of the WNT4 protein (p.Cys128Tyr). This variant is present in population databases (no rsID available, gnomAD 0.007%). This variant has not been reported in the literature in individuals affected with WNT4-related conditions. Advanced modeling of protein sequence and biophysical properties (such as structural, functional, and spatial information, amino acid conservation, physicochemical variation, residue mobility, and thermodynamic stability) performed at Invitae indicates that this missense variant is expected to disrupt WNT4 protein function with a positive predictive value of 80%. In summary, the available evidence is currently insufficient to determine the role of this variant in disease. Therefore, it has been classified as a Variant of Uncertain Significance.

NM_030761.5(WNT4):c.383G>A (p.Cys128Tyr)

Gene: WNT4 (Wnt family member 4; minus strand). Cytogenetic location: 1p36.12.
Variant type: single nucleotide variant.
Coding change: c.383G>A on transcript NM_030761.5 (MANE Select); coding-DNA position 383, G replaced by A.
Protein change: p.Cys128Tyr; replaces cysteine 128 with tyrosine.
Molecular consequence: missense variant.
Genome position (GRCh38, 1-based): chr1:22,121,507, C>T on the plus strand (G>A on the coding strand, the complement: WNT4 is on the minus strand). VCF-style: chr1-22121507-C-T. GRCh37 (hg19) VCF-style: chr1-22448000-C-T.
Other names: short protein forms C128Y.
Identifiers: ClinVar variation 2814335 (VCV002814335.3), dbSNP rs1386038615, ClinGen allele CA338918090.